The following is an entry in ClinVar:

ClinVar aggregate classification (germline): Conflicting classifications of pathogenicity. Review status: criteria provided, conflicting classifications (1 of 4 stars). 5 submissions from 5 submitters: Uncertain significance (2); Benign (1); Likely benign (2). Last evaluated 2026-06-29.

Conditions:
Ehlers-Danlos syndrome, classic type, 1 (EDSCL1). Also called: EHLERS-DANLOS SYNDROME, GRAVIS TYPE; EHLERS-DANLOS SYNDROME, SEVERE CLASSIC TYPE; Ehlers-Danlos syndrome, type 1; Ehlers-Danlos Syndrome, Classic Type, COL5A1-Related; EDS I. Identifiers: MedGen C0268335, MONDO:0019567, OMIM 130000.
Familial thoracic aortic aneurysm and aortic dissection (TAAD). Also called: Thoracic aortic aneurysms and dissections. Identifiers: Orphanet 91387, MedGen C4707243, MONDO:0019625.

Allele frequency attached by ClinVar (database versions not stated): ExAC 0.00007; gnomAD 0.00022 and 0.00019; ESP Exome Variant Server 0.00023; gnomAD exomes 0.00006 and 0.00002; 1000 Genomes Project 0.00040; TOPMed 0.00018; 1000 Genomes Project 30x 0.00047.

Submissions (5):

Women's Health and Genetics/Laboratory Corporation of America, LabCorp
Classification: Likely benign. Last evaluated: 2026-06-29. Review status: criteria provided, single submitter. Criteria: LabCorp Variant Classification Summary - May 2015. Collection method: clinical testing. Allele origin: germline.

Labcorp Genetics (formerly Invitae), Labcorp
Classification: Benign for Ehlers-Danlos syndrome, classic type, 1. Last evaluated: 2026-01-12. Review status: criteria provided, single submitter. Criteria: Invitae Variant Classification Sherloc (09022015). Collection method: clinical testing. Allele origin: germline.

GeneDx
Classification: Uncertain significance. Last evaluated: 2023-05-18. Review status: criteria provided, single submitter. Criteria: GeneDx Variant Classification Process June 2021. Collection method: clinical testing. Allele origin: germline. Affected: yes.
Comment: Has not been previously published as pathogenic or benign to our knowledge; Not located in the triple helical region, where the majority of pathogenic missense variants occur (Symoens et al., 2012; HGMD); In silico analysis supports that this missense variant does not alter protein structure/function

Ambry Genetics
Classification: Likely benign for Familial thoracic aortic aneurysm and aortic dissection. Last evaluated: 2022-11-10. Review status: criteria provided, single submitter. Criteria: Ambry Variant Classification Scheme 2023. Collection method: clinical testing. Allele origin: germline.

Breakthrough Genomics
Classification: Uncertain significance. Review status: criteria provided, single submitter. Criteria: ACMG Guidelines, 2015. Collection method: not provided. Allele origin: germline. Inheritance: Autosomal dominant inheritance. Affected: yes.

NM_000093.5(COL5A1):c.5182A>G (p.Met1728Val)

Genes: COL5A1 (collagen type V alpha 1 chain; plus strand), LOC101448202 (uncharacterized LOC101448202; minus strand). Cytogenetic location: 9q34.3.
Variant type: single nucleotide variant.
Coding change: c.5182A>G on transcript NM_000093.5 (MANE Select); coding-DNA position 5182, A replaced by G.
Protein change: p.Met1728Val; replaces methionine 1728 with valine.
Molecular consequence: missense variant.
Genome position (GRCh38, 1-based): chr9:134,835,016, A>G. VCF-style: chr9-134835016-A-G. GRCh37 (hg19) VCF-style: chr9-137726862-A-G.
Other names: p.M1728V:ATG>GTG; c.5182A>G, p.Met1728Val (NM_001278074.1); short protein forms M1728V.
Identifiers: ClinVar variation 212998 (VCV000212998.21), dbSNP rs138068984, ClinGen allele CA324420.